The following is an entry in ClinVar:

ClinVar aggregate classification (germline): Uncertain significance (1 of 4 stars; one submission).

Conditions:
Pitt-Hopkins-like syndrome 2 (PTHSL2). Identifiers: Orphanet 221150, Orphanet 600663, MedGen C3280479, MONDO:0013690, OMIM 614325.

Allele frequency attached by ClinVar (database versions not stated): gnomAD exomes 0.00001.
gnomAD v4.1: 2 of 1,614,134 alleles (0.00012%); highest among the groups gnomAD compares: East Asian, 0.0045%; no homozygotes.

Submission:

Labcorp Genetics (formerly Invitae), Labcorp
Classification: Uncertain significance for Pitt-Hopkins-like syndrome 2. Last evaluated: 2021-01-17. Review status: criteria provided, single submitter. Criteria: Invitae Variant Classification Sherloc (09022015). Collection method: clinical testing. Allele origin: germline.
Comment: In summary, the available evidence is currently insufficient to determine the role of this variant in disease. Therefore, it has been classified as a Variant of Uncertain Significance. Algorithms developed to predict the effect of missense changes on protein structure and function are either unavailable or do not agree on the potential impact of this missense change (SIFT: "Tolerated"; PolyPhen-2: "Probably Damaging"; Align-GVGD: "Class C0"). This variant has not been reported in the literature in individuals with NRXN1-related conditions. This variant is not present in population databases (ExAC no frequency). This sequence change replaces leucine with isoleucine at codon 1486 of the NRXN1 protein (p.Leu1486Ile). The leucine residue is highly conserved and there is a small physicochemical difference between leucine and isoleucine.

NM_001330078.2(NRXN1):c.4336C>A (p.Leu1446Ile)

Gene: NRXN1 (neurexin 1; minus strand). Cytogenetic location: 2p16.3.
Variant type: single nucleotide variant.
Coding change: c.4336C>A on transcript NM_001330078.2 (MANE Select); coding-DNA position 4336, C replaced by A.
Protein change: p.Leu1446Ile; replaces leucine 1446 with isoleucine.
Molecular consequence: missense variant.
Genome position (GRCh38, 1-based): chr2:49,922,132, G>T on the plus strand (C>A on the coding strand, the complement: NRXN1 is on the minus strand). VCF-style: chr2-49922132-G-T. GRCh37 (hg19) VCF-style: chr2-50149270-G-T.
Other names: c.4456C>A, p.Leu1486Ile (NM_001135659.3); c.241C>A, p.Leu81Ile (NM_001320156.4); c.232C>A, p.Leu78Ile (NM_001320157.4); c.4312C>A, p.Leu1438Ile (NM_001330077.2); c.4303C>A, p.Leu1435Ile (NM_001330082.2); c.4171C>A, p.Leu1391Ile (NM_001330083.2); c.4270C>A, p.Leu1424Ile (NM_001330084.2); c.4309C>A, p.Leu1437Ile (NM_001330085.2); and 12 more; short protein forms L1386I, L1416I, L1424I, L1438I, L1439I, L1445I, L1486I, L78I.
Identifiers: ClinVar variation 1446341 (VCV001446341.8), dbSNP rs1344841995, ClinGen allele CA346818585.
Genomic context (GRCh38, chr2:49,922,132, plus strand): 5'-CCACATGGTATGAGCCTTCATCCCGGTTTCTGTACTTGTACATGGCATAGAGGAGGATAA[G>T]GATGCACAGGGCGGCAGCGGCTACTATCCCAACGACCATACCCGTGGTGCTGCTGGACTC-3'
Protein context (NP_001317007.1, residues 1436-1456): GIVAAAALCI[Leu1446Ile]ILLYAMYKYR